The following is an entry in ClinVar:

ClinVar aggregate classification (germline): Uncertain significance (1 of 4 stars; one submission).

Allele frequency attached by ClinVar (database versions not stated): gnomAD 0.00001; TOPMed 0.00001; gnomAD exomes 0.00003.
gnomAD v4.1: 43 of 1,549,144 alleles (0.0028%); highest among the groups gnomAD compares: Non-Finnish European, 0.0036%; no homozygotes.

Submission:

Labcorp Genetics (formerly Invitae), Labcorp
Classification: Uncertain significance. Last evaluated: 2024-04-14. Review status: criteria provided, single submitter. Criteria: Invitae Variant Classification Sherloc (09022015). Collection method: clinical testing. Allele origin: germline.
Comment: This sequence change replaces proline, which is neutral and non-polar, with serine, which is neutral and polar, at codon 449 of the RIMS1 protein (p.Pro449Ser). The frequency data for this variant in the population databases is considered unreliable, as metrics indicate poor data quality at this position in the gnomAD database. This variant has not been reported in the literature in individuals affected with RIMS1-related conditions. ClinVar contains an entry for this variant (Variation ID: 2420799). An algorithm developed to predict the effect of missense changes on protein structure and function (PolyPhen-2) suggests that this variant is likely to be tolerated. In summary, the available evidence is currently insufficient to determine the role of this variant in disease. Therefore, it has been classified as a Variant of Uncertain Significance.

NM_014989.7(RIMS1):c.1345C>T (p.Pro449Ser)

Gene: RIMS1 (regulating synaptic membrane exocytosis 1; plus strand). Cytogenetic location: 6q13.
Variant type: single nucleotide variant.
Coding change: c.1345C>T on transcript NM_014989.7 (MANE Select); coding-DNA position 1345, C replaced by T.
Protein change: p.Pro449Ser; replaces proline 449 with serine.
Molecular consequence: missense variant.
Genome position (GRCh38, 1-based): chr6:72,182,816, C>T. VCF-style: chr6-72182816-C-T. GRCh37 (hg19) VCF-style: chr6-72892519-C-T.
Other names: short protein forms P449S.
Identifiers: ClinVar variation 2420799 (VCV002420799.6), dbSNP rs774768233, ClinGen allele CA3885681.
Genomic context (GRCh38, chr6:72,182,816, plus strand): 5'-TCGGCTGAGAGAACTGCGGAGACCAGGGCGCCGGGCGCCAAGCAGCTAACGAACCACAGC[C>T]CGCCGGCGCCCAGACATGGGCCGGTTCCCGCAGAAGCCCCGGAGCTCAAAGCCCAGGAGC-3'
Protein context (NP_055804.2, residues 439-459): PGAKQLTNHS[Pro449Ser]PAPRHGPVPA